The following is an entry in ClinVar:

ClinVar aggregate classification (germline): Uncertain significance. Review status: reviewed by expert panel (3 of 4 stars). 3 submissions from 3 submitters: Uncertain significance (1). 2 of the submissions do not count toward it. Last evaluated 2024-08-12.

Conditions:
Inborn genetic diseases. Identifiers: MedGen C0950123, MeSH D030342.
Hereditary thrombocytopenia and hematologic cancer predisposition syndrome. Identifiers: Orphanet 71290, MedGen CN281654, MONDO:0011071.
Hereditary thrombocytopenia and hematological cancer predisposition syndrome associated with RUNX1. Also called: Familial Platelet Disorder with Propensity to Acute Myelogenous Leukemia; Familial thrombocytopenia with propensity to acute myelogenous leukemia; PLATELET DISORDER, ASPIRIN-LIKE; RUNX1 Familial Platelet Disorder with Associated Myeloid Malignancies. Identifiers: Orphanet 71290, MedGen C1832388, MeSH C563324, MONDO:0100083, OMIM 601399.

Submissions (3):

ClinGen Myeloid Malignancy Variant Curation Expert Panel
Classification: Uncertain significance for Hereditary thrombocytopenia and hematologic cancer predisposition syndrome. Last evaluated: 2024-08-12. Review status: reviewed by expert panel. Criteria: ClinGen MyeloMalig ACMG Specifications v2. Collection method: curation. Allele origin: germline. Inheritance: Autosomal dominant inheritance.
Comment: NM_001754.5(RUNX1):c.779A>G (p.Asn260Ser) is a missense variant which is absent from gnomAD v2 and v3 (PM2_Supporting). The variant has not been reported in the literature. The computational predictor REVEL gives a score of 0.208, which is below the threshold of 0.50, and thus does not predict a damaging effect on RUNX1 function; the splice site predictor SpliceAI, with a score of <0.20, also indicates that the variant has no impact on splicing (BP4). In summary, this variant meets the criteria to be classified as a VUS for hereditary thrombocytopenia and hematologic cancer predisposition syndrome based on the ACMG/AMP criteria applied, as specified by the ClinGen Myeloid Malignancy VCEP: PM2_Supporting and BP4.

Ambry Genetics
Classification: Uncertain significance for Inborn genetic diseases. Last evaluated: 2025-01-06. Review status: criteria provided, single submitter. Criteria: Ambry Variant Classification Scheme 2023. Collection method: clinical testing. Allele origin: germline. Not counted in ClinVar's aggregate classification.
Comment: The p.N260S variant (also known as c.779A>G), located in coding exon 6 of the RUNX1 gene, results from an A to G substitution at nucleotide position 779. The asparagine at codon 260 is replaced by serine, an amino acid with highly similar properties. This amino acid position is conserved. In addition, the in silico prediction for this alteration is inconclusive. Based on the available evidence, the clinical significance of this variant remains unclear.

Labcorp Genetics (formerly Invitae), Labcorp
Classification: Uncertain significance for Hereditary thrombocytopenia and hematological cancer predisposition syndrome associated with RUNX1. Last evaluated: 2018-06-24. Review status: criteria provided, single submitter. Criteria: Invitae Variant Classification Sherloc (09022015). Collection method: clinical testing. Allele origin: germline. Not counted in ClinVar's aggregate classification.
Comment: In summary, the available evidence is currently insufficient to determine the role of this variant in disease. Therefore, it has been classified as a Variant of Uncertain Significance. Algorithms developed to predict the effect of sequence changes on RNA splicing suggest that this variant may create or strengthen a splice site, but this prediction has not been confirmed by published transcriptional studies. Algorithms developed to predict the effect of missense changes on protein structure and function (SIFT, PolyPhen-2, Align-GVGD) all suggest that this variant is likely to be tolerated, but these predictions have not been confirmed by published functional studies and their clinical significance is uncertain. This variant has not been reported in the literature in individuals with RUNX1-related disease. This variant is not present in population databases (ExAC no frequency). This sequence change replaces asparagine with serine at codon 260 of the RUNX1 protein (p.Asn260Ser). The asparagine residue is moderately conserved and there is a small physicochemical difference between asparagine and serine.

NM_001754.5(RUNX1):c.779A>G (p.Asn260Ser)

Gene: RUNX1 (RUNX family transcription factor 1; minus strand). Cytogenetic location: 21q22.12.
Variant type: single nucleotide variant.
Coding change: c.779A>G on transcript NM_001754.5 (MANE Select); coding-DNA position 779, A replaced by G.
Protein change: p.Asn260Ser; replaces asparagine 260 with serine.
Molecular consequence: missense variant.
Genome position (GRCh38, 1-based): chr21:34,834,436, T>C on the plus strand (A>G on the coding strand, the complement: RUNX1 is on the minus strand). VCF-style: chr21-34834436-T-C. GRCh37 (hg19) VCF-style: chr21-36206733-T-C.
Other names: NM_001754.5(RUNX1):c.779A>G; p.Asn260Ser; c.698A>G, p.Asn233Ser (NM_001001890.3, NM_001122607.2); short protein forms N260S, N233S.
Identifiers: ClinVar variation 568926 (VCV000568926.10), dbSNP rs1569036981, ClinGen allele CA410206706.